The following is an entry in ClinVar:

NM_017617.5(NOTCH1):c.1869C>T (p.Asn623=)

Gene: NOTCH1 (notch receptor 1; minus strand). Cytogenetic location: 9q34.3.
Variant type: single nucleotide variant.
Coding change: c.1869C>T on transcript NM_017617.5 (MANE Select); coding-DNA position 1869, C replaced by T.
Protein change: p.Asn623=; no amino-acid change (asparagine 623 retained).
Molecular consequence: synonymous variant.
Genome position (GRCh38, 1-based): chr9:136,515,517, G>A on the plus strand (C>T on the coding strand, the complement: NOTCH1 is on the minus strand). VCF-style: chr9-136515517-G-A. GRCh37 (hg19) VCF-style: chr9-139409969-G-A.
Other names: c.1869C>T (NM_017617.4).
Identifiers: ClinVar variation 682460 (VCV000682460.19), dbSNP rs376726823, ClinGen allele CA5341606.
Genomic context (GRCh38, chr9:136,515,517, plus strand): 5'-CGCCGGCCACCCGCCTGGCCGGCCACCTGTGGTCCCCTTCAGGCAGAAGCAGAGGTAGGC[G>A]TTGTCGCGGTCCTGGCAGGTGCCCCCGTGGCGGCAGGGCTGGCTGGAGCACTCGTTGATG-3'
Protein context (NP_060087.3, residues 613-633): RHGGTCQDRD[Asn623=]AYLCFCLKGT

ClinVar aggregate classification (germline): Benign/Likely benign. Review status: criteria provided, multiple submitters, no conflicts (2 of 4 stars). 10 submissions from 9 submitters: Benign (5); Likely benign (2). 3 of the submissions do not count toward it. Last evaluated 2025-12-16.

Conditions:
Familial thoracic aortic aneurysm and aortic dissection (TAAD). Also called: Thoracic aortic aneurysms and dissections. Identifiers: Orphanet 91387, MedGen C4707243, MONDO:0019625.
Adams-Oliver syndrome 5 (AOS5). Identifiers: Orphanet 974, MedGen C4014970, MONDO:0014459, OMIM 616028.
Aortic valve disease 1 (AOVD1). Identifiers: MedGen C3887892, MONDO:0024523, OMIM 109730.
NOTCH1-related disorder. Also called: NOTCH1-related disorders; NOTCH1-related condition.

Allele frequency attached by ClinVar (database versions not stated): gnomAD 0.00004 and 0.00009; ESP Exome Variant Server 0.00008; TOPMed 0.00008; gnomAD exomes 0.00013; ExAC 0.00021; 1000 Genomes Project 30x 0.00031; 1000 Genomes Project 0.00040.
gnomAD v4.1: 161 of 1,611,868 alleles (0.01%); highest among the groups gnomAD compares: South Asian, 0.098%; 2 homozygotes.

Submissions (10):

Labcorp Genetics (formerly Invitae), Labcorp
Classification: Benign for Adams-Oliver syndrome 5. Last evaluated: 2025-12-16. Review status: criteria provided, single submitter. Criteria: Invitae Variant Classification Sherloc (09022015). Collection method: clinical testing. Allele origin: germline.

Women's Health and Genetics/Laboratory Corporation of America, LabCorp
Classification: Benign. Last evaluated: 2025-07-21. Review status: criteria provided, single submitter. Criteria: LabCorp Variant Classification Summary - May 2015. Collection method: clinical testing. Allele origin: germline.

Ambry Genetics
Classification: Likely benign for Familial thoracic aortic aneurysm and aortic dissection. Last evaluated: 2022-05-04. Review status: criteria provided, single submitter. Criteria: Ambry Variant Classification Scheme 2023. Collection method: clinical testing. Allele origin: germline.

Genome-Nilou Lab
Classification: Benign for Adams-Oliver syndrome 5. Last evaluated: 2022-03-15. Review status: criteria provided, single submitter. Criteria: ACMG Guidelines, 2015. Collection method: clinical testing. Allele origin: germline. Affected: no.

Genome-Nilou Lab
Classification: Benign for Aortic valve disease 1. Last evaluated: 2022-03-15. Review status: criteria provided, single submitter. Criteria: ACMG Guidelines, 2015. Collection method: clinical testing. Allele origin: germline. Affected: no.

GeneDx
Classification: Likely benign. Last evaluated: 2018-05-01. Review status: criteria provided, single submitter. Criteria: GeneDx Variant Classification (06012015). Collection method: clinical testing. Allele origin: germline. Affected: yes.
Comment: This variant is considered likely benign or benign based on one or more of the following criteria: it is a conservative change, it occurs at a poorly conserved position in the protein, it is predicted to be benign by multiple in silico algorithms, and/or has population frequency not consistent with disease.

CHEO Genetics Diagnostic Laboratory, Children's Hospital of Eastern Ontario
Classification: Benign for Familial thoracic aortic aneurysm and aortic dissection. Last evaluated: 2017-11-02. Review status: criteria provided, single submitter. Criteria: ACMG Guidelines, 2015. Collection method: clinical testing. Allele origin: germline.

PreventionGenetics, part of Exact Sciences
Classification: Likely benign for NOTCH1-related condition. Last evaluated: 2022-05-26. Review status: no assertion criteria provided. Collection method: clinical testing. Allele origin: germline. Not counted in ClinVar's aggregate classification.
Comment: This variant is classified as likely benign based on ACMG/AMP sequence variant interpretation guidelines (Richards et al. 2015 PMID: 25741868, with internal and published modifications).

Clinical Genetics DNA and cytogenetics Diagnostics Lab, Erasmus MC, Erasmus Medical Center
Classification: Likely benign. Review status: no assertion criteria provided. Collection method: clinical testing. Allele origin: germline. Affected: yes. Study: VKGL Data-share Consensus. Not counted in ClinVar's aggregate classification.

Joint Genome Diagnostic Labs from Nijmegen and Maastricht, Radboudumc and MUMC+
Classification: Likely benign. Review status: no assertion criteria provided. Collection method: clinical testing. Allele origin: germline. Affected: yes. Study: VKGL Data-share Consensus. Not counted in ClinVar's aggregate classification.